The following is an entry in ClinVar:

ClinVar aggregate classification (germline): Uncertain significance (1 of 4 stars; one submission).

Conditions:
Hereditary cancer-predisposing syndrome. Also called: Neoplastic Syndromes, Hereditary; Tumor predisposition; Hereditary neoplastic syndrome; Hereditary Cancer Syndrome. Identifiers: Orphanet 140162, MedGen C0027672, MeSH D009386, MONDO:0015356.

Submission:

Ambry Genetics
Classification: Uncertain significance for Hereditary cancer-predisposing syndrome. Last evaluated: 2026-07-06. Review status: criteria provided, single submitter. Criteria: Ambry Variant Classification Scheme 2023. Collection method: clinical testing. Allele origin: germline.
Comment: The p.N187S variant (also known as c.560A>G), located in coding exon 6 of the PRKAR1A gene, results from an A to G substitution at nucleotide position 560. The asparagine at codon 187 is replaced by serine, an amino acid with highly similar properties. This amino acid position is conserved. In addition, this alteration is predicted to be tolerated by in silico analysis. Based on the available evidence, the clinical significance of this variant remains unclear.

NM_002734.5(PRKAR1A):c.560A>G (p.Asn187Ser)

Gene: PRKAR1A (protein kinase cAMP-dependent type I regulatory subunit alpha; plus strand). Cytogenetic location: 17q24.2.
Variant type: single nucleotide variant.
Coding change: c.560A>G on transcript NM_002734.5 (MANE Select); coding-DNA position 560, A replaced by G.
Protein change: p.Asn187Ser; replaces asparagine 187 with serine.
Molecular consequence: missense variant.
Genome position (GRCh38, 1-based): chr17:68,525,764, A>G. VCF-style: chr17-68525764-A-G. GRCh37 (hg19) VCF-style: chr17-66521905-A-G.
Other names: c.560A>G, p.Asn187Ser (NM_001276290.1, NM_001278433.2, NM_001369389.1 and 4 more transcripts); short protein forms N187S.
Identifiers: ClinVar variation 5027306 (VCV005027306.1).